The following is an entry in ClinVar:

ClinVar aggregate classification (germline): Pathogenic. Review status: reviewed by expert panel (3 of 4 stars). 4 submissions from 4 submitters: Pathogenic (1). 3 of the submissions do not count toward it. Last evaluated 2023-08-25.

Conditions:
CDH1-related diffuse gastric and lobular breast cancer syndrome. Also called: CDH1-related diffuse gastric and lobular breast cancer. Identifiers: MedGen CN311521, MONDO:0100488.
Hereditary diffuse gastric adenocarcinoma (HDGC). Also called: DIFFUSE GASTRIC AND LOBULAR BREAST CANCER SYNDROME. Identifiers: Orphanet 26106, MedGen C1708349, MONDO:0007648, OMIM 137215.

Submissions (4):

Clingen Gastric Cancer Variant Curation Expert Panel
Classification: Pathogenic for CDH1-related diffuse gastric and lobular breast cancer syndrome. Last evaluated: 2023-08-25. Review status: reviewed by expert panel. Criteria: ClinGen CDH1 ACMG Specifications V3.1. Collection method: curation. Allele origin: germline. Inheritance: Autosomal dominant inheritance.
Comment: The c.489C>A (p.Cys163Ter) variant is predicted to result in a premature stop codon that leads to a truncated or absent protein (PVS1, PM5_Supporting). This variant is absent in the gnomAD cohort (PM2_Supporting). The variant has been reported in at least one family meeting HDGC clinical criteria (PS4_Supporting; PMID 26072394). In summary, this variant meets criteria to be classified as pathogenic based on the ACMG/AMP criteria applied as specified by the CDH1 Variant Curation Expert Panel (Variant Interpretation Guidelines Version 3.1): PVS1, PM2_Supporting, PS4_Supporting, PM5_Supporting.

Labcorp Genetics (formerly Invitae), Labcorp
Classification: Pathogenic for Hereditary diffuse gastric adenocarcinoma. Last evaluated: 2024-06-30. Review status: criteria provided, single submitter. Criteria: Invitae Variant Classification Sherloc (09022015). Collection method: clinical testing. Allele origin: germline. Not counted in ClinVar's aggregate classification.
Comment: This sequence change creates a premature translational stop signal (p.Cys163*) in the CDH1 gene. It is expected to result in an absent or disrupted protein product. Loss-of-function variants in CDH1 are known to be pathogenic (PMID: 15235021, 20373070). This variant is not present in population databases (gnomAD no frequency). This premature translational stop signal has been observed in individual(s) with gastric and breast cancer (PMID: 22020549, 30745422, 34537906, 36436516). ClinVar contains an entry for this variant (Variation ID: 420004). For these reasons, this variant has been classified as Pathogenic.

European Reference Network on Genetic Tumour Risk Syndromes (ERN-GENTURIS), i3s - Instituto de Investigação e Inovação em Saúde, University of Porto
Classification: Pathogenic for Hereditary diffuse gastric adenocarcinoma. Last evaluated: 2022-08-01. Review status: criteria provided, single submitter. Criteria: Lee et al. (Hum Mutat. 2018). Collection method: clinical testing. Allele origin: germline. Inheritance: Autosomal dominant inheritance. Affected: yes. Study: ERN GENTURIS. Not counted in ClinVar's aggregate classification.
Comment: PVS1; PS4_Supporting; PM2 (PMID: 30311375)

GeneDx
Classification: Pathogenic. Last evaluated: 2017-08-16. Review status: criteria provided, single submitter. Criteria: GeneDx Variant Classification (06012015). Collection method: clinical testing. Allele origin: germline. Affected: yes. Not counted in ClinVar's aggregate classification.
Comment: This variant is denoted CDH1 c.489C>A at the cDNA level and p.Cys163Ter (C163X) at the protein level. The substitution creates a nonsense variant, which changes a Cysteine to a premature stop codon (TGC>TGA), and is predicted to cause loss of normal protein function through either protein truncation or nonsense-mediated mRNA decay. This variant has been reported in at least one individual with a personal history of diffuse gastric cancer and bilateral lobular breast cancer with a family history suggestive of Hereditary Diffuse Gastric Cancer (Kuijt 2012). It is considered pathogenic.

Literature cited by the submitters: PubMed 26072394 (cited by Clingen Gastric Cancer Variant Curation Expert Panel); PubMed 15235021 (cited by Labcorp Genetics (formerly Invitae), Labcorp); PubMed 20373070 (cited by Labcorp Genetics (formerly Invitae), Labcorp); PubMed 22020549 (cited by Labcorp Genetics (formerly Invitae), Labcorp); PubMed 30745422 (cited by Labcorp Genetics (formerly Invitae), Labcorp); PubMed 34537906 (cited by Labcorp Genetics (formerly Invitae), Labcorp); PubMed 36436516 (cited by Labcorp Genetics (formerly Invitae), Labcorp and European Reference Network on Genetic Tumour Risk Syndromes (ERN-GENTURIS), i3s - Instituto de Investigação e Inovação em Saúde, University of Porto).

NM_004360.5(CDH1):c.489C>A (p.Cys163Ter)

Gene: CDH1 (cadherin 1; plus strand). Cytogenetic location: 16q22.1.
Variant type: single nucleotide variant.
Coding change: c.489C>A on transcript NM_004360.5 (MANE Select); coding-DNA position 489, C replaced by A.
Protein change: p.Cys163Ter; replaces cysteine 163 with a stop codon.
Molecular consequence: nonsense. On other transcripts: 5 prime UTR variant (2).
Genome position (GRCh38, 1-based): chr16:68,808,525, C>A. VCF-style: chr16-68808525-C-A. GRCh37 (hg19) VCF-style: chr16-68842428-C-A.
Other names: c.489C>A (LRG_301t1, NM_004360.4); c.489C>A, p.Cys163Ter (NM_001317184.2); c.-1127C>A (NM_001317185.2); c.-1331C>A (NM_001317186.2); short protein forms C163*.
Identifiers: ClinVar variation 420004 (VCV000420004.8), dbSNP rs1064794230, ClinGen allele CA16620236.